The following is an entry in ClinVar:

ClinVar aggregate classification (germline): Uncertain significance (1 of 4 stars; one submission).

Conditions:
KSR2-related disorder. Also called: KSR2-related condition.

gnomAD v4.1: 12 of 1,612,982 alleles (0.00074%); highest among the groups gnomAD compares: Admixed American, 0.0067%; no homozygotes.

Submission:

PreventionGenetics, part of Exact Sciences
Classification: Uncertain significance for KSR2-related condition. Last evaluated: 2025-10-10. Review status: criteria provided, single submitter. Criteria: ACMG Guidelines, 2015. Collection method: clinical testing. Allele origin: germline.
Comment: The KSR2 c.1000C>T variant is predicted to result in the amino acid substitution p.Arg334Cys. To our knowledge, this variant has not been reported in the literature. This variant is reported in 0.0087% of alleles in individuals of Latino descent in gnomAD. At this time, the clinical significance of this variant is uncertain due to the absence of conclusive functional and genetic evidence.

NM_173598.6(KSR2):c.1087C>T (p.Arg363Cys)

Gene: KSR2 (kinase suppressor of ras 2; minus strand). Cytogenetic location: 12q24.22.
Variant type: single nucleotide variant.
Coding change: c.1087C>T on transcript NM_173598.6 (MANE Select); coding-DNA position 1087, C replaced by T.
Protein change: p.Arg363Cys; replaces arginine 363 with cysteine.
Molecular consequence: missense variant.
Genome position (GRCh38, 1-based): chr12:117,667,558, G>A on the plus strand (C>T on the coding strand, the complement: KSR2 is on the minus strand). VCF-style: chr12-117667558-G-A. GRCh37 (hg19) VCF-style: chr12-118105363-G-A.
Other names: short protein forms R363C.
Identifiers: ClinVar variation 4992270 (VCV004992270.1).